The following is an entry in ClinVar:

NM_000377.3(WAS):c.1112C>T (p.Pro371Leu)

Gene: WAS (WASP actin nucleation promoting factor; plus strand). Cytogenetic location: Xp11.23.
Variant type: single nucleotide variant.
Coding change: c.1112C>T on transcript NM_000377.3 (MANE Select); coding-DNA position 1112, C replaced by T.
Protein change: p.Pro371Leu; replaces proline 371 with leucine.
Molecular consequence: missense variant.
Genome position (GRCh38, 1-based): chrX:48,688,840, C>T. VCF-style: chrX-48688840-C-T. GRCh37 (hg19) VCF-style: chrX-48547229-C-T.
Other names: short protein forms P371L.
Identifiers: ClinVar variation 954359 (VCV000954359.8), dbSNP rs1557007203, ClinGen allele CA412873315.

ClinVar aggregate classification (germline): Uncertain significance. Review status: criteria provided, multiple submitters, no conflicts (2 of 4 stars). 2 submissions from 2 submitters: Uncertain significance (2). Last evaluated 2022-08-22.

Conditions:
Thrombocytopenia 1. Also called: X-linked thrombocytopenia with normal platelets; THROMBOCYTOPENIA, X-LINKED, 1; X-Linked Thrombocytopenia (XLT). Identifiers: Orphanet 268322, Orphanet 852, MedGen C1839163, MONDO:0010743, OMIM 313900.
Wiskott-Aldrich syndrome (WAS). Also called: ALDRICH SYNDROME; IMMUNODEFICIENCY 2; WISKOTT-ALDRICH SYNDROME 1; Wiskott-aldrich syndrome, somatic. Identifiers: Orphanet 906, MedGen C0043194, MONDO:0010518, OMIM 301000.
X-linked severe congenital neutropenia (SCNX). Identifiers: Orphanet 86788, MedGen C1845987, MONDO:0010294, OMIM 300299.

Allele frequency attached by ClinVar (database versions not stated): gnomAD 0.00001; gnomAD exomes 0.00001; TOPMed 0.00001.
gnomAD v4.1: 6 of 1,141,493 alleles (0.00053%); highest among the groups gnomAD compares: Non-Finnish European, 0.0007%; no homozygotes.

Submissions (2):

GeneDx
Classification: Uncertain significance. Last evaluated: 2022-08-22. Review status: criteria provided, single submitter. Criteria: GeneDx Variant Classification Process June 2021. Collection method: clinical testing. Allele origin: germline. Affected: yes.
Comment: Not observed at significant frequency in large population cohorts (gnomAD); In silico analysis supports that this missense variant has a deleterious effect on protein structure/function; Has not been previously published as pathogenic or benign to our knowledge

Labcorp Genetics (formerly Invitae), Labcorp
Classification: Uncertain significance for Wiskott-Aldrich syndrome; X-linked severe congenital neutropenia; Thrombocytopenia 1. Last evaluated: 2021-08-27. Review status: criteria provided, single submitter. Criteria: Invitae Variant Classification Sherloc (09022015). Collection method: clinical testing. Allele origin: germline.